The following is an entry in ClinVar:

NM_000059.4(BRCA2):c.8269G>C (p.Glu2757Gln)

Gene: BRCA2 (BRCA2 DNA repair associated; plus strand). Cytogenetic location: 13q13.1.
Variant type: single nucleotide variant.
Coding change: c.8269G>C on transcript NM_000059.4 (MANE Select); coding-DNA position 8269, G replaced by C.
Protein change: p.Glu2757Gln; replaces glutamic acid 2757 with glutamine.
Molecular consequence: missense variant.
Genome position (GRCh38, 1-based): chr13:32,363,471, G>C. VCF-style: chr13-32363471-G-C. GRCh37 (hg19) VCF-style: chr13-32937608-G-C.
Other names: short protein forms E2757Q.
Identifiers: ClinVar variation 863641 (VCV000863641.10), dbSNP rs2072760254, ClinGen allele CA387750031.

ClinVar aggregate classification (germline): Uncertain significance (1 of 4 stars; one submission).

Conditions:
Hereditary breast ovarian cancer syndrome. Also called: Hereditary breast and ovarian cancer syndrome; Hereditary breast and/or ovarian cancer syndrome; Hereditary breast and ovarian cancer syndrome (HBOC); Breast and ovarian cancer; Hereditary breast and ovarian cancer; BRCA1- and BRCA2-Associated Hereditary Breast and Ovarian Cancer. Identifiers: Orphanet 145, MedGen C0677776, MeSH D061325, MONDO:0003582. Disease mechanism: loss of function.

Submission:

Labcorp Genetics (formerly Invitae), Labcorp
Classification: Uncertain significance for Hereditary breast ovarian cancer syndrome. Last evaluated: 2024-10-07. Review status: criteria provided, single submitter. Criteria: Invitae Variant Classification Sherloc (09022015). Collection method: clinical testing. Allele origin: germline.
Comment: This sequence change replaces glutamic acid, which is acidic and polar, with glutamine, which is neutral and polar, at codon 2757 of the BRCA2 protein (p.Glu2757Gln). This variant is not present in population databases (gnomAD no frequency). This variant has not been reported in the literature in individuals affected with BRCA2-related conditions. ClinVar contains an entry for this variant (Variation ID: 863641). Invitae Evidence Modeling of protein sequence and biophysical properties (such as structural, functional, and spatial information, amino acid conservation, physicochemical variation, residue mobility, and thermodynamic stability) indicates that this missense variant is not expected to disrupt BRCA2 protein function with a negative predictive value of 95%. In summary, the available evidence is currently insufficient to determine the role of this variant in disease. Therefore, it has been classified as a Variant of Uncertain Significance.